The following is an entry in ClinVar:

NM_152564.5(VPS13B):c.5050G>A (p.Val1684Ile)

Gene: VPS13B (vacuolar protein sorting 13 homolog B; plus strand). Cytogenetic location: 8q22.2.
Variant type: single nucleotide variant.
Coding change: c.5050G>A on transcript NM_152564.5 (MANE Select); coding-DNA position 5050, G replaced by A.
Protein change: p.Val1684Ile; replaces valine 1684 with isoleucine.
Molecular consequence: missense variant.
Genome position (GRCh38, 1-based): chr8:99,575,758, G>A. VCF-style: chr8-99575758-G-A. GRCh37 (hg19) VCF-style: chr8-100587986-G-A.
Other names: c.5125G>A (NM_017890.3); c.5125G>A, p.Val1709Ile (NM_017890.5); short protein forms V1709I, V1684I.
Identifiers: ClinVar variation 2171706 (VCV002171706.2), dbSNP rs1393723853, ClinGen allele CA371873966.

ClinVar aggregate classification (germline): Conflicting classifications of pathogenicity. Review status: criteria provided, conflicting classifications (1 of 4 stars). 2 submissions from 2 submitters: Uncertain significance (1); Likely benign (1). Last evaluated 2025-08-20.

Conditions:
Cohen syndrome (COH1). Also called: PEPPER SYNDROME; Cutis verticis gyrata, retinitis pigmentosa, and sensorineural deafness. Identifiers: Orphanet 193, MedGen C0265223, MONDO:0008999, OMIM 216550.
Inborn genetic diseases. Identifiers: MedGen C0950123, MeSH D030342.

Allele frequency attached by ClinVar (database versions not stated): gnomAD exomes below 0.00001; TOPMed below 0.00001; gnomAD 0.00001.
gnomAD v4.1: 3 of 1,613,602 alleles (0.00019%); highest among the groups gnomAD compares: Admixed American, 0.0033%; no homozygotes.

Submissions (2):

Ambry Genetics
Classification: Likely benign for Inborn genetic diseases. Last evaluated: 2025-08-20. Review status: criteria provided, single submitter. Criteria: Ambry Variant Classification Scheme 2023. Collection method: clinical testing. Allele origin: germline.

Labcorp Genetics (formerly Invitae), Labcorp
Classification: Uncertain significance for Cohen syndrome. Last evaluated: 2022-04-16. Review status: criteria provided, single submitter. Criteria: Invitae Variant Classification Sherloc (09022015). Collection method: clinical testing. Allele origin: germline.
Comment: This sequence change replaces valine, which is neutral and non-polar, with isoleucine, which is neutral and non-polar, at codon 1709 of the VPS13B protein (p.Val1709Ile). This variant is present in population databases (no rsID available, gnomAD 0.003%). This variant has not been reported in the literature in individuals affected with VPS13B-related conditions. Algorithms developed to predict the effect of missense changes on protein structure and function output the following: SIFT: "Not Available"; PolyPhen-2: "Benign"; Align-GVGD: "Not Available". The isoleucine amino acid residue is found in multiple mammalian species, which suggests that this missense change does not adversely affect protein function. Algorithms developed to predict the effect of sequence changes on RNA splicing suggest that this variant may create or strengthen a splice site. In summary, the available evidence is currently insufficient to determine the role of this variant in disease. Therefore, it has been classified as a Variant of Uncertain Significance.